The following is an entry in ClinVar:

ClinVar aggregate classification (germline): Uncertain significance (1 of 4 stars; one submission).

Submission:

Labcorp Genetics (formerly Invitae), Labcorp
Classification: Uncertain significance. Last evaluated: 2025-10-07. Review status: criteria provided, single submitter. Criteria: Invitae Variant Classification Sherloc (09022015). Collection method: clinical testing. Allele origin: germline.
Comment: This variant, c.2466_2477dup, results in the insertion of 4 amino acid(s) of the MICAL1 protein (p.Arg823_Arg826dup), but otherwise preserves the integrity of the reading frame. This variant is present in population databases (rs770199961, gnomAD 0.02%). This variant has not been reported in the literature in individuals affected with MICAL1-related conditions. ClinVar contains an entry for this variant (Variation ID: 3673701). In summary, the available evidence is currently insufficient to determine the role of this variant in disease. Therefore, it has been classified as a Variant of Uncertain Significance.

NM_022765.4(MICAL1):c.2409_2420dup (p.Arg807_Leu808insArgGlnIleArg)

Gene: MICAL1 (microtubule associated monooxygenase, calponin and LIM domain containing 1; minus strand). Cytogenetic location: 6q21.
Variant type: Duplication.
Coding change: c.2409_2420dup on transcript NM_022765.4 (MANE Select); coding-DNA positions 2409 to 2420, 12 bases duplicated (TCGGCAGATCCG).
Protein change: p.Arg807_Leu808insArgGlnIleArg.
Genome position (GRCh38, 1-based): chr6:109,446,297-109,446,308, CGGATCTGCCGA duplicated on the plus strand (TCGGCAGATCCG on the coding strand, the reverse complement: MICAL1 is on the minus strand); duplicating any 12 consecutive bases within chr6:109,446,297-109,446,311 gives the same sequence; the c. name uses the placement nearest the transcript's 3' end. VCF-style (leftmost placement, unchanged base first): chr6-109446296-G-GCGGATCTGCCGA. GRCh37 (hg19) VCF-style: chr6-109767499-G-GCGGATCTGCCGA.
Other names: c.2151_2162dup, p.Arg721_Leu722insArgGlnIleArg (NM_001159291.2); c.2466_2477dup, p.Arg826_Leu827insArgGlnIleArg (NM_001286613.2).
Identifiers: ClinVar variation 3673701 (VCV003673701.2).